The following is an entry in ClinVar:

NM_004656.4(BAP1):c.2142G>C (p.Lys714Asn)

Gene: BAP1 (BRCA1 associated deubiquitinase 1; minus strand). Cytogenetic location: 3p21.1.
Variant type: single nucleotide variant.
Coding change: c.2142G>C on transcript NM_004656.4 (MANE Select); coding-DNA position 2142, G replaced by C.
Protein change: p.Lys714Asn; replaces lysine 714 with asparagine.
Molecular consequence: missense variant.
Genome position (GRCh38, 1-based): chr3:52,402,336, C>G on the plus strand (G>C on the coding strand, the complement: BAP1 is on the minus strand). VCF-style: chr3-52402336-C-G. GRCh37 (hg19) VCF-style: chr3-52436352-C-G.
Other names: c.2088G>C, p.Lys696Asn (NM_001410772.1); short protein forms K714N, K696N.
Identifiers: ClinVar variation 2710943 (VCV002710943.3), dbSNP rs1178202774, ClinGen allele CA353094149.

ClinVar aggregate classification (germline): Uncertain significance (1 of 4 stars; one submission).

Conditions:
BAP1-related tumor predisposition syndrome (TPDS1). Also called: Tumor susceptibility linked to germline BAP1 mutations; TUMOR PREDISPOSITION SYNDROME 1; BAP1 tumor predisposition syndrome; COMMON Syndrome. Identifiers: Orphanet 289539, MedGen C3280492, MONDO:0013692, OMIM 614327.

Submission:

Labcorp Genetics (formerly Invitae), Labcorp
Classification: Uncertain significance for BAP1-related tumor predisposition syndrome. Last evaluated: 2024-01-24. Review status: criteria provided, single submitter. Criteria: Invitae Variant Classification Sherloc (09022015). Collection method: clinical testing. Allele origin: germline.
Comment: This sequence change replaces lysine, which is basic and polar, with asparagine, which is neutral and polar, at codon 714 of the BAP1 protein (p.Lys714Asn). This variant is not present in population databases (gnomAD no frequency). This variant has not been reported in the literature in individuals affected with BAP1-related conditions. Advanced modeling of protein sequence and biophysical properties (such as structural, functional, and spatial information, amino acid conservation, physicochemical variation, residue mobility, and thermodynamic stability) performed at Invitae indicates that this missense variant is not expected to disrupt BAP1 protein function with a negative predictive value of 80%. In summary, the available evidence is currently insufficient to determine the role of this variant in disease. Therefore, it has been classified as a Variant of Uncertain Significance.